The following is an entry in ClinVar:

NM_000311.5(PRNP):c.*5G>A

Gene: PRNP (prion protein (Kanno blood group); plus strand). Cytogenetic location: 20p13.
Variant type: single nucleotide variant.
Coding change: c.*5G>A on transcript NM_000311.5 (MANE Select); 5 bases downstream of the stop codon, G replaced by A.
Molecular consequence: 3 prime UTR variant.
Genome position (GRCh38, 1-based): chr20:4,699,987, G>A. VCF-style: chr20-4699987-G-A. GRCh37 (hg19) VCF-style: chr20-4680633-G-A.
Other names: c.*5G>A (NM_001080121.3, NM_001080122.3, NM_001080123.3 and 1 more transcripts); c.*456G>A (NM_001271561.3).
Identifiers: ClinVar variation 3030199 (VCV003030199.2), dbSNP rs2514375666, ClinGen allele CA2740096991.

ClinVar aggregate classification (germline): Likely benign (0 of 4 stars; one submission).

Conditions:
PRNP-related disorder. Also called: PRNP-related condition; PRNP-related disorders.

Submission:

PreventionGenetics, part of Exact Sciences
Classification: Likely benign for PRNP-related condition. Last evaluated: 2021-04-17. Review status: no assertion criteria provided. Collection method: clinical testing. Allele origin: germline.
Comment: This variant is classified as likely benign based on ACMG/AMP sequence variant interpretation guidelines (Richards et al. 2015 PMID: 25741868, with internal and published modifications).